The following is an entry in ClinVar:

NM_000166.6(GJB1):c.43C>T (p.Arg15Trp)

Gene: GJB1 (gap junction protein beta 1; plus strand). Cytogenetic location: Xq13.1.
Variant type: single nucleotide variant.
Coding change: c.43C>T on transcript NM_000166.6 (MANE Select); coding-DNA position 43, C replaced by T.
Protein change: p.Arg15Trp; replaces arginine 15 with tryptophan.
Molecular consequence: missense variant.
Genome position (GRCh38, 1-based): chrX:71,223,750, C>T. VCF-style: chrX-71223750-C-T. GRCh37 (hg19) VCF-style: chrX-70443600-C-T.
Other names: c.43C>T, p.Arg15Trp (NM_001097642.3); short protein forms R15W.
Identifiers: ClinVar variation 21084 (VCV000021084.22), dbSNP rs116840815, ClinGen allele CA333982.

ClinVar aggregate classification (germline): Pathogenic. Review status: criteria provided, multiple submitters, no conflicts (2 of 4 stars). 10 submissions from 10 submitters: Pathogenic (8). 2 of the submissions do not count toward it. Last evaluated 2026-01-11.

Conditions:
GJB1-related disorder. Also called: GJB1-related disorders; GJB1-related condition.
Charcot-Marie-Tooth disease. Also called: Charcot-Marie-Tooth Hereditary Neuropathy; Charcot-Marie-Tooth Neuropathy. Identifiers: Orphanet 166, MedGen C0007959, MONDO:0015626.
Charcot-Marie-Tooth Neuropathy X. Identifiers: MedGen CN118851.
Charcot-Marie-Tooth disease X-linked dominant 1. Also called: CHARCOT-MARIE-TOOTH NEUROPATHY, X-LINKED, 1; CHARCOT-MARIE-TOOTH PERONEAL MUSCULAR ATROPHY, X-LINKED; Charcot-Marie-Tooth Neuropathy X Type 1; GJB1 Disorders: Charcot-Marie-Tooth Neuropathy (CMT1X) and Central Nervous System Phenotypes; X-linked Charcot-Marie-Tooth disease type 1; HEREDITARY MOTOR AND SENSORY NEUROPATHY, X-LINKED. Identifiers: Orphanet 101075, MedGen C0393808, MONDO:0010549, OMIM 302800.

Submissions (10):

Labcorp Genetics (formerly Invitae), Labcorp
Classification: Pathogenic for Charcot-Marie-Tooth Neuropathy X. Last evaluated: 2026-01-11. Review status: criteria provided, single submitter. Criteria: Invitae Variant Classification Sherloc (09022015). Collection method: clinical testing. Allele origin: germline.
Comment: This sequence change replaces arginine, which is basic and polar, with tryptophan, which is neutral and slightly polar, at codon 15 of the GJB1 protein (p.Arg15Trp). This variant is not present in population databases (gnomAD no frequency). This missense change has been observed in individuals with CMT (PMID: 9099841, 9328258, 9600589, 10521546, 11835375, 21149811). It has also been observed to segregate with disease in related individuals. ClinVar contains an entry for this variant (Variation ID: 21084). Invitae Evidence Modeling of protein sequence and biophysical properties (such as structural, functional, and spatial information, amino acid conservation, physicochemical variation, residue mobility, and thermodynamic stability) indicates that this missense variant is expected to disrupt GJB1 protein function with a positive predictive value of 95%. Experimental studies have shown that this missense change affects GJB1 function (PMID: 11325342, 22771394). For these reasons, this variant has been classified as Pathogenic.

Women's Health and Genetics/Laboratory Corporation of America, LabCorp
Classification: Pathogenic for Charcot-Marie-Tooth disease X-linked dominant 1. Last evaluated: 2025-05-13. Review status: criteria provided, single submitter. Criteria: LabCorp Variant Classification Summary - May 2015. Collection method: clinical testing. Allele origin: germline.
Comment: Variant summary: GJB1 c.43C>T (p.Arg15Trp) results in a non-conservative amino acid change in the encoded protein sequence. Algorithms developed to predict the effect of missense changes on protein structure and function all suggest that this variant is likely to be disruptive. The variant was absent in 183023 control chromosomes. c.43C>T has been observed in multiple individuals affected with Charcot-Marie-Tooth disease X-linked dominant 1 and segregated with diseae in multiple families (Senderek_1999, Yalcouye_2022). These data indicate that the variant is very likely to be associated with disease. At least one publication reports experimental evidence evaluating an impact on protein function. The most pronounced variant effect results in no conductance above baseline when expressed in paired oocytes (Abrams_2001). The following publications have been ascertained in the context of this evaluation (PMID: 11325342, 10521546, 35383424). ClinVar contains an entry for this variant (Variation ID: 21084). Based on the evidence outlined above, the variant was classified as pathogenic.

GeneDx
Classification: Pathogenic. Last evaluated: 2025-02-26. Review status: criteria provided, single submitter. Criteria: GeneDx Variant Classification Process June 2021. Collection method: clinical testing. Allele origin: germline. Affected: yes.
Comment: Reported in the published literature in association with GJB1-related Charcot-Marie-Tooth disease (PMID: 9328258); Published functional studies demonstrate a damaging effect on channel function (PMID: 11325342, 27025386); In silico analysis supports that this missense variant has a deleterious effect on protein structure/function; Not observed at significant frequency in large population cohorts (gnomAD); Missense variants in this gene are a common cause of disease and they are underrepresented in the general population; This variant is associated with the following publications: (PMID: 9099841, 9600589, 11325342, 27025386, 37284795, 35938991, 31069529, 9328258, 35383424)

ARUP Laboratories, Molecular Genetics and Genomics, ARUP Laboratories
Classification: Pathogenic for Charcot-Marie-Tooth disease X-linked dominant 1. Last evaluated: 2024-03-22. Review status: criteria provided, single submitter. Criteria: ARUP Molecular Germline Variant Investigation Process 2024. Collection method: clinical testing. Allele origin: germline.
Comment: The GJB1 c.43C>T; p.Arg15Trp variant (rs116840815; ClinVar Variation ID: 217169) is reported in the literature in multiple individuals affected with clinical features consistent with Charcot-Marie-Tooth disease (Nam 2016, Nelis 1996, Nguyen-Le 2022, Yalcouye 2022). Functional analyses of the variant protein show impaired conductance similar to complete knockout of GJB1 (Abrams 2001). This variant is absent from the Genome Aggregation Database (v2.1.1), indicating it is not a common polymorphism. Additionally, other variants at this codon (c.44G>A; p.Arg15Gln; c.44G>T; p.Arg15Leu) have been reported in individuals with Charcot-Marie-Tooth disease and are considered pathogenic (Fairweather 1994 and Lu 2017). Based on available information, the p.Arg15Trp variant is considered to be pathogenic. References: Abrams CK et al. Functional alterations in gap junction channels formed by mutant forms of connexin 32: evidence for loss of function as a pathogenic mechanism in the X-linked form of Charcot-Marie-Tooth disease. Brain Res. 2001 May 4;900(1):9-25. PMID: 11325342 Fairweather N et al. Mutations in the connexin 32 gene in X-linked dominant Charcot-Marie-Tooth disease (CMTX1). Hum Mol Genet. 1994 Jan;3(1):29-34. PMID: 8162049. Lu YY et al. Clinical and Genetic Features of Chinese X-linked Charcot-Marie-Tooth Type 1 Disease. Chin Med J (Engl). 2017 May 5;130(9):1049-1054PMID: 28469099 Nam SH et al. Identification of Genetic Causes of Inherited Peripheral Neuropathies by Targeted Gene Panel Sequencing. Mol Cells. 2016 May 31;39(5):382-8. PMID: 27025386 Nelis E et al. Estimation of the mutation frequencies in Charcot-Marie-Tooth disease type 1 and hereditary neuropathy with liability to pressure palsies: a European collaborative study. Eur J Hum Genet. 1996;4(1):25-33. PMID: 8800924. Nguyen-Le TH et al. Genotype-phenotype characteristics of Vietnamese patients diagnosed with Charcot-Marie-Tooth disease. Brain Behav. 2022 Sep;12(9):e2744. PMID: 35938991 Yalcouye A et al. GJB1 variants in Charcot-Marie-Tooth disease X-linked type 1 in Mali. J Peripher Nerv Syst. 2022 Jun;27(2):113-119. PMID: 35383424.

Blueprint Genetics
Classification: Pathogenic for GJB1-related disorders. Last evaluated: 2024-02-02. Review status: criteria provided, single submitter. Criteria: ACMG Guidelines, 2015. Collection method: clinical testing. Allele origin: germline. Affected: yes. Observed: 2 variant alleles.

Victorian Clinical Genetics Services, Murdoch Childrens Research Institute
Classification: Pathogenic for Charcot-Marie-Tooth disease X-linked dominant 1. Last evaluated: 2023-07-16. Review status: criteria provided, single submitter. Criteria: ACMG Guidelines, 2015. Collection method: clinical testing. Allele origin: germline. Inheritance: X-linked dominant inheritance. Affected: yes.
Comment: Based on the classification scheme VCGS_Germline_v1.3.4, this variant is classified as Pathogenic. Following criteria are met: 0102 - Loss of function is a known mechanism of disease in this gene and is associated with Charcot-Marie-Tooth neuropathy, X-linked dominant, 1 (MIM#1302800) (PMID 30042657). (I) 0110 - This gene is associated with X-linked dominant disease. (I) 0112 - The condition associated with this gene has incomplete penetrance with some females remaining asymptomatic (GeneReviews).(I) 0115 - Variants in this gene are known to have variable expressivity (OMIM). (I) 0200 - Variant is predicted to result in a missense amino acid change from arginine to tryptophan. (I) 0253 - This variant is hemizygous. (I) 0301 - Variant is absent from gnomAD (both v2 and v3). (SP) 0501 - Missense variant consistently predicted to be damaging by multiple in silico tools or highly conserved with a major amino acid change. (SP) 0600 - Variant is located in the annotated connexin domain (DECIPHER). (I) 0703 - Other missense variants comparable to the one identified in this case have moderate previous evidence for pathogenicity. The GJB1 c.44G>A; p.(Arg15Gln) and c.44G>C; p.(Arg15Pro) variants have been previously reported in multiple individuals with Charcot-Marie-Tooth neuropathy (ClinVar; LOVD). (SP) 0801 - This variant has strong previous evidence of pathogenicity in unrelated individuals. It has been reported in multiple unrelated individuals with Charcot-Marie-Tooth neuropathy (ClinVar; LOVD). (SP) 1102 - Strong phenotype match for this individual. (SP) 1208 - Inheritance information for this variant is not currently available in this individual. (I) Legend: (SP) - Supporting pathogenic, (I) - Information, (SB) - Supporting benign

Athena Diagnostics
Classification: Pathogenic. Last evaluated: 2022-12-29. Review status: criteria provided, single submitter. Criteria: Athena Diagnostics Criteria. Collection method: clinical testing. Allele origin: unknown.
Comment: This variant has been identified in multiple unrelated individuals with clinical features associated with this gene and segregates with disease in at least one family. This variant has not been reported in large, multi-ethnic general populations. At least one other missense variant at this codon is considered to be pathogenic or likely pathogenic, suggesting this variant may also cause disease. In some published literature, this variant is referred to as c.105C>T. Assessment of experimental evidence suggests this variant results in abnormal protein function. The variant significantly reduced channel conductance (PMID: 11325342).

Molecular Genetics Laboratory, London Health Sciences Centre
Classification: Pathogenic for Charcot-Marie-Tooth disease. Review status: criteria provided, single submitter. Criteria: ACMG Guidelines, 2015. Collection method: clinical testing. Allele origin: germline. Affected: yes.

GeneReviews
No classification provided. Condition: Charcot-Marie-Tooth disease X-linked dominant 1. Review status: no classification provided. Collection method: literature only. Allele origin: unknown. Not counted in ClinVar's aggregate classification.

Inherited Neuropathy Consortium
Classification: Uncertain significance for Charcot-Marie-Tooth disease. Review status: no assertion criteria provided. Collection method: literature only. Allele origin: germline. Affected: yes. Not counted in ClinVar's aggregate classification.

Literature cited by the submitters: PubMed 9099841 (cited by Labcorp Genetics (formerly Invitae), Labcorp and Athena Diagnostics); PubMed 9328258 (cited by Labcorp Genetics (formerly Invitae), Labcorp and Athena Diagnostics); PubMed 9600589 (cited by Labcorp Genetics (formerly Invitae), Labcorp and Athena Diagnostics); PubMed 10521546 (cited by Labcorp Genetics (formerly Invitae), Labcorp and Women's Health and Genetics/Laboratory Corporation of America, LabCorp); PubMed 11835375 (cited by 3 submitters); PubMed 21149811 (cited by Labcorp Genetics (formerly Invitae), Labcorp); PubMed 11325342 (cited by 3 submitters); PubMed 22771394 (cited by Labcorp Genetics (formerly Invitae), Labcorp); PubMed 35383424 (cited by Women's Health and Genetics/Laboratory Corporation of America, LabCorp); PubMed 30042657 (cited by Victorian Clinical Genetics Services, Murdoch Childrens Research Institute); PubMed 27025386 (cited by Athena Diagnostics); PubMed 8800924 (cited by Athena Diagnostics); PubMed 9452099 (cited by Athena Diagnostics); PubMed 9854984 (cited by Athena Diagnostics); PubMed 10639608 (cited by Athena Diagnostics); PubMed 20301548 (cited by GeneReviews); NCBI Bookshelf NBK1374 (cited by GeneReviews).